The following is an entry in ClinVar:

NM_001277115.2(DNAH11):c.13186A>C (p.Lys4396Gln)

Gene: DNAH11 (dynein axonemal heavy chain 11; plus strand). Cytogenetic location: 7p15.3.
Variant type: single nucleotide variant.
Coding change: c.13186A>C on transcript NM_001277115.2 (MANE Select); coding-DNA position 13186, A replaced by C.
Protein change: p.Lys4396Gln; replaces lysine 4396 with glutamine.
Molecular consequence: missense variant.
Genome position (GRCh38, 1-based): chr7:21,900,003, A>C. VCF-style: chr7-21900003-A-C. GRCh37 (hg19) VCF-style: chr7-21939621-A-C.
Other names: short protein forms K4396Q.
Identifiers: ClinVar variation 1005120 (VCV001005120.4), dbSNP rs569092902, ClinGen allele CA155113119.

ClinVar aggregate classification (germline): Uncertain significance (1 of 4 stars; one submission).

Conditions:
Primary ciliary dyskinesia. Also called: Ciliary dyskinesia. Identifiers: Orphanet 244, MedGen C0008780, MONDO:0016575, HP:0012265.

Allele frequency attached by ClinVar (database versions not stated): TOPMed 0.00001.
gnomAD v4.1: 13 of 1,614,008 alleles (0.00081%); highest among the groups gnomAD compares: African/African-American, 0.008%; no homozygotes.

Submission:

Labcorp Genetics (formerly Invitae), Labcorp
Classification: Uncertain significance for Primary ciliary dyskinesia. Last evaluated: 2022-07-26. Review status: criteria provided, single submitter. Criteria: Invitae Variant Classification Sherloc (09022015). Collection method: clinical testing. Allele origin: germline.
Comment: This sequence change replaces lysine, which is basic and polar, with glutamine, which is neutral and polar, at codon 4396 of the DNAH11 protein (p.Lys4396Gln). This variant is not present in population databases (gnomAD no frequency). This variant has not been reported in the literature in individuals affected with DNAH11-related conditions. ClinVar contains an entry for this variant (Variation ID: 1005120). Advanced modeling of protein sequence and biophysical properties (such as structural, functional, and spatial information, amino acid conservation, physicochemical variation, residue mobility, and thermodynamic stability) performed at Invitae indicates that this missense variant is not expected to disrupt DNAH11 protein function. In summary, the available evidence is currently insufficient to determine the role of this variant in disease. Therefore, it has been classified as a Variant of Uncertain Significance.